The following is an entry in ClinVar:

NM_006005.3(WFS1):c.1173G>A (p.Glu391=)

Gene: WFS1 (wolframin ER transmembrane glycoprotein; plus strand). Cytogenetic location: 4p16.1.
Variant type: single nucleotide variant.
Coding change: c.1173G>A on transcript NM_006005.3 (MANE Select); coding-DNA position 1173, G replaced by A.
Protein change: p.Glu391=; no amino-acid change (glutamic acid 391 retained).
Molecular consequence: synonymous variant.
Genome position (GRCh38, 1-based): chr4:6,300,968, G>A. VCF-style: chr4-6300968-G-A. GRCh37 (hg19) VCF-style: chr4-6302695-G-A.
Other names: c.1173G>A, p.Glu391= (NM_001145853.1).
Identifiers: ClinVar variation 725941 (VCV000725941.13), dbSNP rs202104460, ClinGen allele CA2839244.

ClinVar aggregate classification (germline): Benign/Likely benign. Review status: criteria provided, multiple submitters, no conflicts (2 of 4 stars). 5 submissions from 5 submitters: Benign (2); Likely benign (3). Last evaluated 2026-01-18.

Conditions:
Wolfram syndrome 1 (WFS1). Identifiers: Orphanet 3463, MedGen C4551693, MONDO:0009101, OMIM 222300.

Allele frequency attached by ClinVar (database versions not stated): gnomAD 0.00013 and 0.00015; TOPMed 0.00014; gnomAD exomes 0.00022; ExAC 0.00024; 1000 Genomes Project 30x 0.00031; 1000 Genomes Project 0.00040.
gnomAD v4.1: 108 of 1,614,004 alleles (0.0067%); highest among the groups gnomAD compares: East Asian, 0.22%; no homozygotes.

Submissions (5):

Labcorp Genetics (formerly Invitae), Labcorp
Classification: Benign. Last evaluated: 2026-01-18. Review status: criteria provided, single submitter. Criteria: Invitae Variant Classification Sherloc (09022015). Collection method: clinical testing. Allele origin: germline.

Women's Health and Genetics/Laboratory Corporation of America, LabCorp
Classification: Likely benign. Last evaluated: 2024-08-20. Review status: criteria provided, single submitter. Criteria: LabCorp Variant Classification Summary - May 2015. Collection method: clinical testing. Allele origin: germline.

Blueprint Genetics
Classification: Likely benign. Last evaluated: 2024-08-13. Review status: criteria provided, single submitter. Criteria: ACMG Guidelines, 2015. Collection method: clinical testing. Allele origin: germline.

GeneDx
Classification: Likely benign. Last evaluated: 2021-04-09. Review status: criteria provided, single submitter. Criteria: GeneDx Variant Classification Process June 2021. Collection method: clinical testing. Allele origin: germline. Affected: yes.
Comment: This variant is associated with the following publications: (PMID: 17492394)

Clinical Genomics, Uppaluri K&H Personalized Medicine Clinic
Classification: Benign for Wolfram syndrome 1. Review status: criteria provided, single submitter. Criteria: K & H Uppaluri Personalized Medicine Clinic Variant Classification & Assertion Criteria_Updated V.1. Collection method: research. Allele origin: unknown. Inheritance: Autosomal recessive inheritance.
Comment: Potent mutations in WFS1 gene are associated with Wolfram's syndrome, an autosomal recessive condition, which cause diabetes mellitus, diabetes insipidus, deafness and optic atrophy.However no sufficient evidence is found to ascertain the role of this particular variant rs202104460 in Wolfram's syndrome yet.

Literature cited by the submitters: PubMed 20738327 (cited by Clinical Genomics, Uppaluri K&H Personalized Medicine Clinic); PubMed 33879153 (cited by Clinical Genomics, Uppaluri K&H Personalized Medicine Clinic); PubMed 12955714 (cited by Clinical Genomics, Uppaluri K&H Personalized Medicine Clinic); PubMed 18060660 (cited by Clinical Genomics, Uppaluri K&H Personalized Medicine Clinic); PubMed 20301750 (cited by Clinical Genomics, Uppaluri K&H Personalized Medicine Clinic); PubMed 17603484 (cited by Clinical Genomics, Uppaluri K&H Personalized Medicine Clinic).